The following is an entry in ClinVar:

NM_152564.5(VPS13B):c.3673C>G (p.Leu1225Val)

Gene: VPS13B (vacuolar protein sorting 13 homolog B; plus strand). Cytogenetic location: 8q22.2.
Variant type: single nucleotide variant.
Coding change: c.3673C>G on transcript NM_152564.5 (MANE Select); coding-DNA position 3673, C replaced by G.
Protein change: p.Leu1225Val; replaces leucine 1225 with valine.
Molecular consequence: missense variant.
Genome position (GRCh38, 1-based): chr8:99,481,605, C>G. VCF-style: chr8-99481605-C-G. GRCh37 (hg19) VCF-style: chr8-100493833-C-G.
Other names: c.3673C>G (NM_152564.4); c.3673C>G, p.Leu1225Val (NM_017890.5); short protein forms L1225V.
Identifiers: ClinVar variation 855902 (VCV000855902.5), dbSNP rs1343599639, ClinGen allele CA371866646.

ClinVar aggregate classification (germline): Uncertain significance. Review status: criteria provided, multiple submitters, no conflicts (2 of 4 stars). 4 submissions from 4 submitters: Uncertain significance (3). 1 of the submissions does not count toward it. Last evaluated 2024-11-03.

Conditions:
VPS13B-related disorder. Also called: VPS13B-related condition.
Cohen syndrome (COH1). Also called: PEPPER SYNDROME; Cutis verticis gyrata, retinitis pigmentosa, and sensorineural deafness. Identifiers: Orphanet 193, MedGen C0265223, MONDO:0008999, OMIM 216550.
Inborn genetic diseases. Identifiers: MedGen C0950123, MeSH D030342.

Allele frequency attached by ClinVar (database versions not stated): gnomAD exomes below 0.00001 and 0.00001; gnomAD 0.00002; TOPMed 0.00002.
gnomAD v4.1: 7 of 1,613,596 alleles (0.00043%); highest among the groups gnomAD compares: Non-Finnish European, 0.00059%; no homozygotes.

Submissions (4):

PreventionGenetics, part of Exact Sciences
Classification: Uncertain significance for VPS13B-related condition. Last evaluated: 2024-11-03. Review status: criteria provided, single submitter. Criteria: ACMG Guidelines, 2015. Collection method: clinical testing. Allele origin: germline.
Comment: The VPS13B c.3673C>G variant is predicted to result in the amino acid substitution p.Leu1225Val. To our knowledge, this variant has not been reported in the literature. This variant is reported in 0.0018% of alleles in individuals of European (Non-Finnish) descent in gnomAD. At this time, the clinical significance of this variant is uncertain due to the absence of conclusive functional and genetic evidence.

Labcorp Genetics (formerly Invitae), Labcorp
Classification: Uncertain significance for Cohen syndrome. Last evaluated: 2019-12-26. Review status: criteria provided, single submitter. Criteria: Invitae Variant Classification Sherloc (09022015). Collection method: clinical testing. Allele origin: germline.
Comment: This sequence change replaces leucine with valine at codon 1225 of the VPS13B protein (p.Leu1225Val). The leucine residue is moderately conserved and there is a small physicochemical difference between leucine and valine. This variant is not present in population databases (ExAC no frequency). This variant has not been reported in the literature in individuals with VPS13B-related conditions. Algorithms developed to predict the effect of missense changes on protein structure and function are either unavailable or do not agree on the potential impact of this missense change (SIFT: "Not Available"; PolyPhen-2: "Probably Damaging"; Align-GVGD: "Not Available"). Algorithms developed to predict the effect of sequence changes on RNA splicing suggest that this variant may create or strengthen a splice site, but this prediction has not been confirmed by published transcriptional studies. In summary, the available evidence is currently insufficient to determine the role of this variant in disease. Therefore, it has been classified as a Variant of Uncertain Significance.

Ambry Genetics
Classification: Uncertain significance for Inborn genetic diseases. Last evaluated: 2019-07-31. Review status: criteria provided, single submitter. Criteria: Ambry Variant Classification Scheme 2023. Collection method: clinical testing. Allele origin: germline.
Comment: The p.L1225V variant (also known as c.3673C>G), located in coding exon 24 of the VPS13B gene, results from a C to G substitution at nucleotide position 3673. The leucine at codon 1225 is replaced by valine, an amino acid with highly similar properties. This amino acid position is well conserved in available vertebrate species. In addition, the in silico prediction for this alteration is inconclusive. Since supporting evidence is limited at this time, the clinical significance of this alteration remains unclear.

Natera, Inc.
Classification: Uncertain significance for Cohen syndrome. Last evaluated: 2020-09-16. Review status: no assertion criteria provided. Collection method: clinical testing. Allele origin: germline. Not counted in ClinVar's aggregate classification.